The following is an entry in ClinVar:

ClinVar aggregate classification (germline): Uncertain significance (1 of 4 stars; one submission).

Allele frequency attached by ClinVar (database versions not stated): gnomAD exomes below 0.00001; TOPMed below 0.00001.
gnomAD v4.1: 1 of 1,614,046 alleles (0.000062%); highest among the groups gnomAD compares: Admixed American, 0.0017%; no homozygotes.

Submission:

Labcorp Genetics (formerly Invitae), Labcorp
Classification: Uncertain significance. Last evaluated: 2024-01-19. Review status: criteria provided, single submitter. Criteria: Invitae Variant Classification Sherloc (09022015). Collection method: clinical testing. Allele origin: germline.
Comment: This sequence change replaces valine, which is neutral and non-polar, with isoleucine, which is neutral and non-polar, at codon 207 of the TRIM28 protein (p.Val207Ile). This variant is present in population databases (no rsID available, gnomAD 0.003%). This variant has not been reported in the literature in individuals affected with TRIM28-related conditions. Experimental studies and prediction algorithms are not available or were not evaluated, and the functional significance of this variant is currently unknown. In summary, the available evidence is currently insufficient to determine the role of this variant in disease. Therefore, it has been classified as a Variant of Uncertain Significance.

NM_005762.3(TRIM28):c.619G>A (p.Val207Ile)

Gene: TRIM28 (tripartite motif containing 28; plus strand). Cytogenetic location: 19q13.43.
Variant type: single nucleotide variant.
Coding change: c.619G>A on transcript NM_005762.3 (MANE Select); coding-DNA position 619, G replaced by A.
Protein change: p.Val207Ile; replaces valine 207 with isoleucine.
Molecular consequence: missense variant.
Genome position (GRCh38, 1-based): chr19:58,547,408, G>A. VCF-style: chr19-58547408-G-A. GRCh37 (hg19) VCF-style: chr19-59058775-G-A.
Other names: short protein forms V207I.
Identifiers: ClinVar variation 2710220 (VCV002710220.3), dbSNP rs1259658931, ClinGen allele CA407907852.